The following is an entry in ClinVar:

ClinVar aggregate classification (germline): Uncertain significance (1 of 4 stars; one submission).

Submission:

Ambry Genetics
Classification: Uncertain significance. Last evaluated: 2022-03-31. Review status: criteria provided, single submitter. Criteria: Ambry Variant Classification Scheme 2023. Collection method: clinical testing. Allele origin: germline.
Comment: The p.A2356D variant (also known as c.7067C>A), located in coding exon 25 of the POLQ gene, results from a C to A substitution at nucleotide position 7067. The alanine at codon 2356 is replaced by aspartic acid, an amino acid with dissimilar properties. This amino acid position is conserved. In addition, the in silico prediction for this alteration is inconclusive. Since supporting evidence is limited at this time, the clinical significance of this alteration remains unclear.

NM_199420.4(POLQ):c.7067C>A (p.Ala2356Asp)

Gene: POLQ (DNA polymerase theta; minus strand). Cytogenetic location: 3q13.33.
Variant type: single nucleotide variant.
Coding change: c.7067C>A on transcript NM_199420.4 (MANE Select); coding-DNA position 7067, C replaced by A.
Protein change: p.Ala2356Asp; replaces alanine 2356 with aspartic acid.
Molecular consequence: missense variant.
Genome position (GRCh38, 1-based): chr3:121,460,135, G>T on the plus strand (C>A on the coding strand, the complement: POLQ is on the minus strand). VCF-style: chr3-121460135-G-T. GRCh37 (hg19) VCF-style: chr3-121178982-G-T.
Other names: short protein forms A2356D.
Identifiers: ClinVar variation 1756974 (VCV001756974.2), dbSNP rs2546764738, ClinGen allele CA354107196.